The following is an entry in ClinVar:

NM_000463.3(UGT1A1):c.1322T>G (p.Met441Arg)

Genes: UGT1A5 (UDP glucuronosyltransferase family 1 member A5; plus strand), UGT1A (UDP glucuronosyltransferase family 1 member A complex locus; plus strand), UGT1A1 (UDP glucuronosyltransferase family 1 member A1; plus strand), UGT1A10 (UDP glucuronosyltransferase family 1 member A10; plus strand), UGT1A3 (UDP glucuronosyltransferase family 1 member A3; plus strand) and 5 more. Cytogenetic location: 2q37.1.
Variant type: single nucleotide variant.
Coding change: c.1322T>G on transcript NM_000463.3 (MANE Select); coding-DNA position 1322, T replaced by G.
Protein change: p.Met441Arg; replaces methionine 441 with arginine.
Molecular consequence: missense variant.
Genome position (GRCh38, 1-based): chr2:233,772,279, T>G. VCF-style: chr2-233772279-T-G. GRCh37 (hg19) VCF-style: chr2-234680925-T-G.
Other names: c.1313T>G, p.Met438Arg (NM_019075.4, NM_019076.5, NM_019077.3 and 1 more transcripts); c.1319T>G, p.Met440Arg (NM_001072.4); c.518T>G, p.Met173Arg (NM_205862.3); c.1325T>G, p.Met442Arg (NM_019078.2, NM_007120.3, NM_019093.4); short protein forms M173R, M438R, M440R, M442R, M441R.
Identifiers: ClinVar variation 4998066 (VCV004998066.1).

ClinVar aggregate classification (germline): Uncertain significance (1 of 4 stars; one submission).

Conditions:
UGT1A1-related disorder. Also called: UGT1A1-related disorders; UGT1A1-related condition.

gnomAD v4.1: 3 of 1,614,146 alleles (0.00019%); highest among the groups gnomAD compares: African/African-American, 0.004%; no homozygotes.

Submission:

PreventionGenetics, part of Exact Sciences
Classification: Uncertain significance for UGT1A1-related condition. Last evaluated: 2024-12-06. Review status: criteria provided, single submitter. Criteria: ACMG Guidelines, 2015. Collection method: clinical testing. Allele origin: germline.
Comment: The UGT1A1 c.1322T>G variant is predicted to result in the amino acid substitution p.Met441Arg. To our knowledge, this variant has not been reported in the literature. This variant is reported in 0.0062% of alleles in individuals of African descent in gnomAD. At this time, the clinical significance of this variant is uncertain due to the absence of conclusive functional and genetic evidence.